The following is an entry in ClinVar:

ClinVar aggregate classification (germline): Pathogenic/Likely pathogenic. Review status: criteria provided, multiple submitters, no conflicts (2 of 4 stars). 4 submissions from 4 submitters: Pathogenic (2); Likely pathogenic (2). Last evaluated 2026-03-24.

Conditions:
GATA2 deficiency with susceptibility to MDS/AML. Identifiers: MedGen CN300066, MONDO:0042982.
Deafness-lymphedema-leukemia syndrome. Also called: Lymphedema, primary, with myelodysplasia; Emberger syndrome. Identifiers: Orphanet 3226, MedGen C3279664, MONDO:0013540, OMIM 614038.
Monocytopenia with susceptibility to infections. Also called: MONOCYTOPENIA AND MYCOBACTERIAL INFECTION SYNDROME; MONOCYTOPENIA WITH SUSCEPTIBILITY TO MYCOBACTERIAL, FUNGAL, AND PAPILLOMAVIRUS INFECTIONS AND MYELODYSPLASIA; COMBINED IMMUNODEFICIENCY WITH SUSCEPTIBILITY TO MYCOBACTERIAL, VIRAL, AND FUNGAL INFECTIONS; Dendritic cell, monocyte, B lymphocyte, and natural killer lymphocyte deficiency; IMMUNODEFICIENCY 21; GATA2 DEFICIENCY. Identifiers: Orphanet 228423, MedGen C3280030, MONDO:0013607, OMIM 614172.

Allele frequency attached by ClinVar (database versions not stated): gnomAD exomes below 0.00001.
gnomAD v4.1: 3 of 1,614,174 alleles (0.00019%); highest among the groups gnomAD compares: Admixed American, 0.0017%; no homozygotes.

Submissions (4):

GeneDx
Classification: Likely pathogenic. Last evaluated: 2026-03-24. Review status: criteria provided, single submitter. Criteria: GeneDx Variant Classification Process June 2021. Collection method: clinical testing. Allele origin: germline.
Comment: In silico analysis supports that this missense variant has a deleterious effect on protein structure/function; Not observed at significant frequency in large population cohorts (gnomAD); This variant is associated with the following publications: (PMID: 29882021, 24345756, 26710799, 31309983, 29295841, 29780592, 28209719, 30707109, 29724903, 33417088, 33225392)

Labcorp Genetics (formerly Invitae), Labcorp
Classification: Pathogenic for Monocytopenia with susceptibility to infections; Deafness-lymphedema-leukemia syndrome. Last evaluated: 2021-08-25. Review status: criteria provided, single submitter. Criteria: Invitae Variant Classification Sherloc (09022015). Collection method: clinical testing. Allele origin: germline.
Comment: This variant is not present in population databases (ExAC no frequency). For these reasons, this variant has been classified as Pathogenic. This variant disrupts the p.Arg398 amino acid residue in GATA2. Other variant(s) that disrupt this residue have been determined to be pathogenic (PMID: 21670465, 21765025, 23365458, 28642594, 29882021). This suggests that this residue is clinically significant, and that variants that disrupt this residue are likely to be disease-causing. Experimental studies have shown that this variant affects GATA2 function (PMID: 33417088). Advanced modeling of protein sequence and biophysical properties (such as structural, functional, and spatial information, amino acid conservation, physicochemical variation, residue mobility, and thermodynamic stability) performed at Invitae indicates that this missense variant is expected to disrupt GATA2 protein function. ClinVar contains an entry for this variant (Variation ID: 938037). This variant has been observed in individuals with clinical features of GATA2-related conditions (PMID: 24345756, 26710799, 28209719, 29724903, 31309983, 33417088). This sequence change replaces arginine with glutamine at codon 398 of the GATA2 protein (p.Arg398Gln). The arginine residue is highly conserved and there is a small physicochemical difference between arginine and glutamine.

Molecular Pathology Research Laboratory, SA Pathology
Classification: Likely pathogenic for GATA2 deficiency with susceptibility to MDS/AML; Deafness-lymphedema-leukemia syndrome. Last evaluated: 2021-07-06. Review status: criteria provided, single submitter. Criteria: ACMG Guidelines, 2015. Collection method: curation. Allele origin: germline. Inheritance: Autosomal dominant inheritance. Affected: yes. Observed: 4 variant alleles. Clinical features observed: Myelodysplasia, Acute Myeloid Leukemia, Immunodeficiency.
Comment: PS4, PM1, PM5, PP3

Imagene.me medical diagnostic laboratory, IMAGENE.ME SA
Classification: Pathogenic for Deafness-lymphedema-leukemia syndrome. Review status: criteria provided, single submitter. Criteria: IMAGENE.ME Variant Classification SOP 2022. Collection method: clinical testing. Allele origin: germline. Affected: yes.
Comment: Classified according to the IMAGENE.ME variant classification SOP based on the ACMG guidelines as Pathogenic (P): PS4 + PP3_Strong + PS3_Moderate + PM5 + PM2_Supporting

Literature cited by the submitters: PubMed 21670465 (cited by Labcorp Genetics (formerly Invitae), Labcorp); PubMed 21765025 (cited by Labcorp Genetics (formerly Invitae), Labcorp); PubMed 23365458 (cited by Labcorp Genetics (formerly Invitae), Labcorp); PubMed 28642594 (cited by Labcorp Genetics (formerly Invitae), Labcorp); PubMed 29882021 (cited by Labcorp Genetics (formerly Invitae), Labcorp); PubMed 33417088 (cited by Labcorp Genetics (formerly Invitae), Labcorp and Molecular Pathology Research Laboratory, SA Pathology); PubMed 24345756 (cited by Labcorp Genetics (formerly Invitae), Labcorp and Molecular Pathology Research Laboratory, SA Pathology); PubMed 26710799 (cited by Labcorp Genetics (formerly Invitae), Labcorp); PubMed 28209719 (cited by Labcorp Genetics (formerly Invitae), Labcorp); PubMed 29724903 (cited by Labcorp Genetics (formerly Invitae), Labcorp and Molecular Pathology Research Laboratory, SA Pathology); PubMed 31309983 (cited by Labcorp Genetics (formerly Invitae), Labcorp).

NM_032638.5(GATA2):c.1193G>A (p.Arg398Gln)

Gene: GATA2 (GATA binding protein 2; minus strand). Cytogenetic location: 3q21.3.
Variant type: single nucleotide variant.
Coding change: c.1193G>A on transcript NM_032638.5 (MANE Select); coding-DNA position 1193, G replaced by A.
Protein change: p.Arg398Gln; replaces arginine 398 with glutamine.
Molecular consequence: missense variant.
Genome position (GRCh38, 1-based): chr3:128,481,269, C>T on the plus strand (G>A on the coding strand, the complement: GATA2 is on the minus strand). VCF-style: chr3-128481269-C-T. GRCh37 (hg19) VCF-style: chr3-128200112-C-T.
Other names: c.1193G>A, p.Arg398Gln (NM_001145661.2); c.1151G>A, p.Arg384Gln (NM_001145662.1); short protein forms R398Q, R384Q.
Identifiers: ClinVar variation 938037 (VCV000938037.12), dbSNP rs1420609104, ClinGen allele CA354413213.